The following is an entry in ClinVar:

ClinVar aggregate classification (germline): Conflicting classifications of pathogenicity. Review status: criteria provided, conflicting classifications (1 of 4 stars). 2 submissions from 2 submitters: Uncertain significance (1); Benign (1). Last evaluated 2025-08-24.

Conditions:
Adams-Oliver syndrome 5 (AOS5). Identifiers: Orphanet 974, MedGen C4014970, MONDO:0014459, OMIM 616028.

Allele frequency attached by ClinVar (database versions not stated): gnomAD 0.00003; TOPMed 0.00004; ESP Exome Variant Server 0.00008.
gnomAD v4.1: 55 of 1,601,780 alleles (0.0034%); highest among the groups gnomAD compares: Middle Eastern, 0.017%; no homozygotes.

Submissions (2):

Labcorp Genetics (formerly Invitae), Labcorp
Classification: Benign for Adams-Oliver syndrome 5. Last evaluated: 2025-08-24. Review status: criteria provided, single submitter. Criteria: Invitae Variant Classification Sherloc (09022015). Collection method: clinical testing. Allele origin: germline.

GeneDx
Classification: Uncertain significance. Last evaluated: 2023-02-08. Review status: criteria provided, single submitter. Criteria: GeneDx Variant Classification Process June 2021. Collection method: clinical testing. Allele origin: germline. Affected: yes.
Comment: Has not been previously published as pathogenic or benign to our knowledge; Not observed at significant frequency in large population cohorts (gnomAD); In silico analysis supports that this missense variant does not alter protein structure/function

NM_017617.5(NOTCH1):c.7250C>T (p.Pro2417Leu)

Gene: NOTCH1 (notch receptor 1; minus strand). Cytogenetic location: 9q34.3.
Variant type: single nucleotide variant.
Coding change: c.7250C>T on transcript NM_017617.5 (MANE Select); coding-DNA position 7250, C replaced by T.
Protein change: p.Pro2417Leu; replaces proline 2417 with leucine.
Molecular consequence: missense variant.
Genome position (GRCh38, 1-based): chr9:136,496,489, G>A on the plus strand (C>T on the coding strand, the complement: NOTCH1 is on the minus strand). VCF-style: chr9-136496489-G-A. GRCh37 (hg19) VCF-style: chr9-139390941-G-A.
Other names: c.7250C>T, p.Pro2417Leu (LRG_1122t1); short protein forms P2417L.
Identifiers: ClinVar variation 241165 (VCV000241165.10), dbSNP rs370652630, ClinGen allele CA5339712.